The following is an entry in ClinVar:

ClinVar aggregate classification (germline): Uncertain significance (1 of 4 stars; one submission).

gnomAD v4.1: 1 of 152,148 alleles (0.00066%); highest among the groups gnomAD compares: Non-Finnish European, 0.0015%; no homozygotes.

Submission:

Dasa
Classification: Uncertain significance. Last evaluated: 2025-12-12. Review status: criteria provided, single submitter. Criteria: DASA Assertion Criteria. Collection method: clinical testing. Allele origin: germline.
Comment: NM_012330.4(KAT6B):c.2629+294C>G is an intronic variant. This variant is rare in population databases. The currently available literature and clinical evidence are not sufficient to establish a definitive association between this variant and the reported condition. Therefore, this variant is classified as a variant of uncertain significance.

NM_012330.4(KAT6B):c.2629+294C>G

Gene: KAT6B (lysine acetyltransferase 6B; plus strand). Cytogenetic location: 10q22.2.
Variant type: single nucleotide variant.
Coding change: c.2629+294C>G on transcript NM_012330.4 (MANE Select); 294 bases into the intron after coding-DNA position 2629, C replaced by G.
Molecular consequence: intron variant.
Genome position (GRCh38, 1-based): chr10:74,989,406, C>G. VCF-style: chr10-74989406-C-G. GRCh37 (hg19) VCF-style: chr10-76749164-C-G.
Other names: c.1753+294C>G (NM_001370139.1, NM_001370140.1, NM_001370141.1 and 2 more transcripts); c.2629+294C>G (NM_001370136.1, NM_001370137.1); c.2080+294C>G (NM_001370138.1, NM_001256468.2); c.940+294C>G (NM_001370133.1); c.544+294C>G (NM_001370134.1); c.1564+294C>G (NM_001370143.1, NM_001370144.1); c.1591+294C>G (NM_001370132.1); c.286+294C>G (NM_001370135.1).
Identifiers: ClinVar variation 4885602 (VCV004885602.2).